The following is an entry in ClinVar:

ClinVar aggregate classification (germline): Uncertain significance (1 of 4 stars; one submission).

Conditions:
Hereditary cancer-predisposing syndrome. Also called: Tumor predisposition; Hereditary neoplastic syndrome; Hereditary Cancer Syndrome; Neoplastic Syndromes, Hereditary. Identifiers: Orphanet 140162, MedGen C0027672, MeSH D009386, MONDO:0015356.

Submission:

Ambry Genetics
Classification: Uncertain significance for Hereditary cancer-predisposing syndrome. Last evaluated: 2024-03-12. Review status: criteria provided, single submitter. Criteria: Ambry Variant Classification Scheme 2023. Collection method: clinical testing. Allele origin: germline.
Comment: The p.M1056L variant (also known as c.3166A>C), located in coding exon 19 of the ALK gene, results from an A to C substitution at nucleotide position 3166. The methionine at codon 1056 is replaced by leucine, an amino acid with highly similar properties. This amino acid position is conserved. In addition, the in silico prediction for this alteration is inconclusive. Based on the available evidence, the clinical significance of this alteration remains unclear.

NM_004304.5(ALK):c.3166A>C (p.Met1056Leu)

Gene: ALK (ALK receptor tyrosine kinase; minus strand). Cytogenetic location: 2p23.2.
Variant type: single nucleotide variant.
Coding change: c.3166A>C on transcript NM_004304.5 (MANE Select); coding-DNA position 3166, A replaced by C.
Protein change: p.Met1056Leu; replaces methionine 1056 with leucine.
Molecular consequence: missense variant.
Genome position (GRCh38, 1-based): chr2:29,225,467, T>G on the plus strand (A>C on the coding strand, the complement: ALK is on the minus strand). VCF-style: chr2-29225467-T-G. GRCh37 (hg19) VCF-style: chr2-29448333-T-G.
Other names: short protein forms M1056L.
Identifiers: ClinVar variation 3223858 (VCV003223858.1), dbSNP rs2148176300, ClinGen allele CA346466760.